The following is an entry in ClinVar:

ClinVar aggregate classification (germline): Pathogenic (1 of 4 stars; one submission).

Conditions:
Hereditary cancer-predisposing syndrome. Also called: Neoplastic Syndromes, Hereditary; Hereditary Cancer Syndrome; Tumor predisposition; Hereditary neoplastic syndrome. Identifiers: Orphanet 140162, MedGen C0027672, MeSH D009386, MONDO:0015356.

Submission:

Ambry Genetics
Classification: Pathogenic for Hereditary cancer-predisposing syndrome. Last evaluated: 2025-02-20. Review status: criteria provided, single submitter. Criteria: Ambry Variant Classification Scheme 2023. Collection method: clinical testing. Allele origin: germline.
Comment: The c.1060delC pathogenic mutation, located in coding exon 11 of the RB1 gene, results from a deletion of one nucleotide at nucleotide position 1060, causing a translational frameshift with a predicted alternate stop codon (p.Q354Rfs*13). This alteration is expected to result in loss of function by premature protein truncation or nonsense-mediated mRNA decay. As such, this alteration is interpreted as a disease-causing mutation.

NM_000321.3(RB1):c.1060del (p.Gln354fs)

Gene: RB1 (RB transcriptional corepressor 1; plus strand). Cytogenetic location: 13q14.2.
Variant type: Deletion.
Coding change: c.1060del on transcript NM_000321.3 (MANE Select); coding-DNA position 1060, one base deleted (C; older notation c.1060delC).
Protein change: p.Gln354fs; shifts the reading frame from glutamine 354.
Molecular consequence: frameshift variant.
Genome position (GRCh38, 1-based): chr13:48,368,537, C deleted. VCF-style (leftmost placement, unchanged base first): chr13-48368536-AC-A. GRCh37 (hg19) VCF-style: chr13-48942672-AC-A.
Other names: c.1060del, p.Gln354fs (NM_001407165.1, NM_001407166.1); short protein forms Q354fs.
Identifiers: ClinVar variation 3787281 (VCV003787281.1).